The following is an entry in ClinVar:

NM_000868.4(HTR2C):c.759C>T (p.Thr253=)

Genes: HTR2C (5-hydroxytryptamine receptor 2C; plus strand), LOC126863306 (MED14-independent group 3 enhancer GRCh37_chrX:114140926-114142125; plus strand). Cytogenetic location: Xq23.
Variant type: single nucleotide variant.
Coding change: c.759C>T on transcript NM_000868.4 (MANE Select); coding-DNA position 759, C replaced by T.
Protein change: p.Thr253=; no amino-acid change (threonine 253 retained).
Molecular consequence: synonymous variant. On other transcripts: nonsense (1).
Genome position (GRCh38, 1-based): chrX:114,906,797, C>T. VCF-style: chrX-114906797-C-T. GRCh37 (hg19) VCF-style: chrX-114141360-C-T.
Other names: c.759C>T, p.Thr253= (NM_001256760.3); c.664C>T, p.Arg222Ter (NM_001256761.3); short protein forms R222*.
Identifiers: ClinVar variation 3356982 (VCV003356982.1).

ClinVar aggregate classification (germline): Uncertain significance (0 of 4 stars; one submission).

Conditions:
HTR2C-related disorder. Also called: HTR2C-related condition.

gnomAD v4.1: 12 of 1,208,611 alleles (0.00099%); highest among the groups gnomAD compares: Non-Finnish European, 0.0012%; no homozygotes.

Submission:

PreventionGenetics, part of Exact Sciences
Classification: Uncertain significance for HTR2C-related condition. Last evaluated: 2023-12-27. Review status: no assertion criteria provided. Collection method: clinical testing. Allele origin: germline.
Comment: The HTR2C c.664C>T variant is predicted to result in premature protein termination (p.Arg222*). To our knowledge, this variant has not been reported in the literature. This variant is reported in 0.0043% of alleles in individuals of European (Non-Finnish) descent in gnomAD. Loss-of-function is not an established mechanism of disease for HTR2C. At this time, the clinical significance of this variant is uncertain due to the absence of conclusive functional and genetic evidence.